The following is an entry in ClinVar:

ClinVar aggregate classification (germline): Uncertain significance. Review status: criteria provided, multiple submitters, no conflicts (2 of 4 stars). 2 submissions from 2 submitters: Uncertain significance (2). Last evaluated 2024-03-28.

Conditions:
Inborn genetic diseases. Identifiers: MedGen C0950123, MeSH D030342.

Allele frequency attached by ClinVar (database versions not stated): gnomAD 0.00001.
gnomAD v4.1: 16 of 1,611,892 alleles (0.00099%); highest among the groups gnomAD compares: East Asian, 0.0045%; no homozygotes.

Submissions (2):

Labcorp Genetics (formerly Invitae), Labcorp
Classification: Uncertain significance. Last evaluated: 2024-03-28. Review status: criteria provided, single submitter. Criteria: Invitae Variant Classification Sherloc (09022015). Collection method: clinical testing. Allele origin: germline.
Comment: This sequence change replaces arginine, which is basic and polar, with histidine, which is basic and polar, at codon 132 of the ACAN protein (p.Arg132His). This variant is present in population databases (rs768518689, gnomAD 0.006%). This variant has not been reported in the literature in individuals affected with ACAN-related conditions. ClinVar contains an entry for this variant (Variation ID: 2603360). Advanced modeling of protein sequence and biophysical properties (such as structural, functional, and spatial information, amino acid conservation, physicochemical variation, residue mobility, and thermodynamic stability) performed at Invitae indicates that this missense variant is not expected to disrupt ACAN protein function with a negative predictive value of 80%. In summary, the available evidence is currently insufficient to determine the role of this variant in disease. Therefore, it has been classified as a Variant of Uncertain Significance.

Ambry Genetics
Classification: Uncertain significance for Inborn genetic diseases. Last evaluated: 2023-07-05. Review status: criteria provided, single submitter. Criteria: Ambry Variant Classification Scheme 2023. Collection method: clinical testing. Allele origin: germline.

NM_001369268.1(ACAN):c.395G>A (p.Arg132His)

Gene: ACAN (aggrecan; plus strand). Cytogenetic location: 15q26.1.
Variant type: single nucleotide variant.
Coding change: c.395G>A on transcript NM_001369268.1 (MANE Select); coding-DNA position 395, G replaced by A.
Protein change: p.Arg132His; replaces arginine 132 with histidine.
Molecular consequence: missense variant.
Genome position (GRCh38, 1-based): chr15:88,838,987, G>A. VCF-style: chr15-88838987-G-A. GRCh37 (hg19) VCF-style: chr15-89382218-G-A.
Other names: c.395G>A, p.Arg132His (NM_001135.4, NM_001411096.1, NM_001411097.1 and 1 more transcripts); short protein forms R132H.
Identifiers: ClinVar variation 2603360 (VCV002603360.5), dbSNP rs768518689, ClinGen allele CA7719208.